The following is an entry in ClinVar:

ClinVar aggregate classification (germline): Benign/Likely benign. Review status: criteria provided, multiple submitters, no conflicts (2 of 4 stars). 7 submissions from 7 submitters: Benign (1); Likely benign (4). 2 of the submissions do not count toward it. Last evaluated 2026-06-01.

Conditions:
ARID2-related disorder. Also called: ARID2-related condition.
Coffin-Siris syndrome 6. Identifiers: MedGen C4540499, MONDO:0033492, OMIM 617808.
Inborn genetic diseases. Identifiers: MedGen C0950123, MeSH D030342.

Allele frequency attached by ClinVar (database versions not stated): gnomAD exomes 0.00069; ExAC 0.00071; gnomAD 0.00071 and 0.00073; ESP Exome Variant Server 0.00077; TOPMed 0.00084.
gnomAD v4.1: 1,566 of 1,613,518 alleles (0.097%); highest among the groups gnomAD compares: Non-Finnish European, 0.12%; 3 homozygotes.

Submissions (7):

CeGaT Center for Human Genetics Tuebingen
Classification: Likely benign. Last evaluated: 2026-06-01. Review status: criteria provided, single submitter. Criteria: CeGaT Center For Human Genetics Tuebingen Variant Classification Criteria Version 2. Collection method: clinical testing. Allele origin: germline. Affected: yes. Observed: 7 variant alleles.
Comment: ARID2: BP4, BS1

Ambry Genetics
Classification: Likely benign for Inborn genetic diseases. Last evaluated: 2021-10-18. Review status: criteria provided, single submitter. Criteria: Ambry Variant Classification Scheme 2023. Collection method: clinical testing. Allele origin: germline.

Labcorp Genetics (formerly Invitae), Labcorp
Classification: Likely benign. Last evaluated: 2019-12-31. Review status: criteria provided, single submitter. Criteria: Invitae Variant Classification Sherloc (09022015). Collection method: clinical testing. Allele origin: germline.

Institute of Human Genetics, University of Leipzig Medical Center
Classification: Benign for Coffin-Siris syndrome 6. Last evaluated: 2019-01-01. Review status: criteria provided, single submitter. Criteria: ACMG Guidelines, 2015. Collection method: clinical testing. Allele origin: unknown. Affected: yes.

Breakthrough Genomics
Classification: Likely benign. Review status: criteria provided, single submitter. Criteria: ACMG Guidelines, 2015. Collection method: not provided. Allele origin: germline. Inheritance: Autosomal dominant inheritance. Affected: yes.

PreventionGenetics, part of Exact Sciences
Classification: Benign for ARID2-related condition. Last evaluated: 2019-03-14. Review status: no assertion criteria provided. Collection method: clinical testing. Allele origin: germline. Not counted in ClinVar's aggregate classification.
Comment: This variant is classified as benign based on ACMG/AMP sequence variant interpretation guidelines (Richards et al. 2015 PMID: 25741868, with internal and published modifications).

ITMI
No classification provided. Condition: AllHighlyPenetrant. Last evaluated: 2013-09-19. Review status: no classification provided. Collection method: reference population. Allele origin: germline. Not counted in ClinVar's aggregate classification.
Comment: Please see associated publication for description of ethnicities

Literature cited by the submitters: PubMed 24728327 (cited by ITMI).

NM_152641.4(ARID2):c.1472C>G (p.Thr491Ser)

Gene: ARID2 (AT-rich interaction domain 2; plus strand). Cytogenetic location: 12q12.
Variant type: single nucleotide variant.
Coding change: c.1472C>G on transcript NM_152641.4 (MANE Select); coding-DNA position 1472, C replaced by G.
Protein change: p.Thr491Ser; replaces threonine 491 with serine.
Molecular consequence: missense variant.
Genome position (GRCh38, 1-based): chr12:45,839,470, C>G. VCF-style: chr12-45839470-C-G. GRCh37 (hg19) VCF-style: chr12-46233253-C-G.
Other names: c.1472C>G, p.Thr491Ser (NM_001347839.2); short protein forms T491S.
Identifiers: ClinVar variation 133558 (VCV000133558.34), dbSNP rs149755754, ClinGen allele CA156944.